The following is an entry in ClinVar:

ClinVar aggregate classification (germline): Likely benign. Review status: criteria provided, multiple submitters, no conflicts (2 of 4 stars). 2 submissions from 2 submitters: Likely benign (2). Last evaluated 2026-07-01.

Conditions:
Spastic paraplegia. Identifiers: MedGen C0037772, HP:0001258.

Allele frequency attached by ClinVar (database versions not stated): gnomAD exomes below 0.00001; TOPMed below 0.00001; gnomAD 0.00001.
gnomAD v4.1: 5 of 1,612,282 alleles (0.00031%); highest among the groups gnomAD compares: Non-Finnish European, 0.00042%; no homozygotes.

Submissions (2):

CeGaT Center for Human Genetics Tuebingen
Classification: Likely benign. Last evaluated: 2026-07-01. Review status: criteria provided, single submitter. Criteria: CeGaT Center For Human Genetics Tuebingen Variant Classification Criteria Version 2. Collection method: clinical testing. Allele origin: germline. Affected: yes. Observed: 1 variant allele.
Comment: KIF5A: BP4

Labcorp Genetics (formerly Invitae), Labcorp
Classification: Likely benign for Spastic paraplegia. Last evaluated: 2023-08-04. Review status: criteria provided, single submitter. Criteria: Invitae Variant Classification Sherloc (09022015). Collection method: clinical testing. Allele origin: germline.

NM_004984.4(KIF5A):c.217+8A>G

Gene: KIF5A (kinesin family member 5A; plus strand). Cytogenetic location: 12q13.3.
Variant type: single nucleotide variant.
Coding change: c.217+8A>G on transcript NM_004984.4 (MANE Select); 8 bases into the intron after coding-DNA position 217, A replaced by G.
Molecular consequence: intron variant.
Genome position (GRCh38, 1-based): chr12:57,563,534, A>G. VCF-style: chr12-57563534-A-G. GRCh37 (hg19) VCF-style: chr12-57957317-A-G.
Other names: c.130-926A>G (NM_001354705.2).
Identifiers: ClinVar variation 1627148 (VCV001627148.9), dbSNP rs1305247048, ClinGen allele CA690300185.